The following is an entry in ClinVar:

ClinVar aggregate classification (germline): Uncertain significance (1 of 4 stars; one submission).

Conditions:
Muscular dystrophy-dystroglycanopathy (congenital with brain and eye anomalies), type A9. Also called: Muscular dystrophy-dystroglycanopathy (congenital with brain and eye anomalies), type a, 9; WALKER-WARBURG SYNDROME OR MUSCLE-EYE BRAIN DISEASE, DAG1-RELATED. Identifiers: Orphanet 370997, Orphanet 899, MedGen C4225291, MONDO:0014683, OMIM 616538.
Autosomal recessive limb-girdle muscular dystrophy type 2P. Also called: MUSCULAR DYSTROPHY-DYSTROGLYCANOPATHY, LIMB-GIRDLE, DAG1-RELATED; MUSCULAR DYSTROPHY, LIMB-GIRDLE, TYPE 2P; Limb-Girdle Muscular Dystrophy Type 9C. Identifiers: Orphanet 280333, MedGen C4511963, MONDO:0013440, OMIM 613818.

Allele frequency attached by ClinVar (database versions not stated): gnomAD exomes below 0.00001; TOPMed below 0.00001.
gnomAD v4.1: 1 of 1,614,128 alleles (0.000062%); highest among the groups gnomAD compares: Admixed American, 0.0017%; no homozygotes.

Submission:

Labcorp Genetics (formerly Invitae), Labcorp
Classification: Uncertain significance for Autosomal recessive limb-girdle muscular dystrophy type 2P; Muscular dystrophy-dystroglycanopathy (congenital with brain and eye anomalies), type A9. Last evaluated: 2022-05-16. Review status: criteria provided, single submitter. Criteria: Invitae Variant Classification Sherloc (09022015). Collection method: clinical testing. Allele origin: germline.
Comment: This sequence change replaces serine, which is neutral and polar, with arginine, which is basic and polar, at codon 485 of the DAG1 protein (p.Ser485Arg). This variant is not present in population databases (gnomAD no frequency). This variant has not been reported in the literature in individuals affected with DAG1-related conditions. Algorithms developed to predict the effect of missense changes on protein structure and function are either unavailable or do not agree on the potential impact of this missense change (SIFT: "Tolerated"; PolyPhen-2: "Probably Damaging"; Align-GVGD: "Class C0"). In summary, the available evidence is currently insufficient to determine the role of this variant in disease. Therefore, it has been classified as a Variant of Uncertain Significance.

NM_004393.6(DAG1):c.1455T>A (p.Ser485Arg)

Gene: DAG1 (dystroglycan 1; plus strand). Cytogenetic location: 3p21.31.
Variant type: single nucleotide variant.
Coding change: c.1455T>A on transcript NM_004393.6 (MANE Select); coding-DNA position 1455, T replaced by A.
Protein change: p.Ser485Arg; replaces serine 485 with arginine.
Molecular consequence: missense variant.
Genome position (GRCh38, 1-based): chr3:49,531,966, T>A. VCF-style: chr3-49531966-T-A. GRCh37 (hg19) VCF-style: chr3-49569399-T-A.
Other names: c.1455T>A, p.Ser485Arg (NM_001177639.3, NM_001177640.3, NM_001177641.3 and 9 more transcripts); short protein forms S485R.
Identifiers: ClinVar variation 2182726 (VCV002182726.1), dbSNP rs2051362874, ClinGen allele CA352795413.